The following is an entry in ClinVar:

NM_018297.4(NGLY1):c.1560C>T (p.Gly520=)

Gene: NGLY1 (N-glycanase 1; minus strand). Cytogenetic location: 3p24.2.
Variant type: single nucleotide variant.
Coding change: c.1560C>T on transcript NM_018297.4 (MANE Select); coding-DNA position 1560, C replaced by T.
Protein change: p.Gly520=; no amino-acid change (glycine 520 retained).
Molecular consequence: synonymous variant.
Genome position (GRCh38, 1-based): chr3:25,729,184, G>A on the plus strand (C>T on the coding strand, the complement: NGLY1 is on the minus strand). VCF-style: chr3-25729184-G-A. GRCh37 (hg19) VCF-style: chr3-25770675-G-A.
Other names: p.Gly520=; c.1506C>T, p.Gly502= (NM_001145293.2); c.1434C>T, p.Gly478= (NM_001145294.2); c.1560C>T, p.Gly520= (NM_001145295.2).
Identifiers: ClinVar variation 474213 (VCV000474213.21), dbSNP rs138477428, ClinGen allele CA2289125.

ClinVar aggregate classification (germline): Conflicting classifications of pathogenicity. Review status: criteria provided, conflicting classifications (1 of 4 stars). 6 submissions from 6 submitters: Uncertain significance (1); Likely benign (4). 1 of the submissions does not count toward it. Last evaluated 2026-08-01.

Conditions:
NGLY1-related disorder. Also called: NGLY1-related condition.
Congenital disorder of deglycosylation (CDDG). Identifiers: MedGen C3808991, MONDO:0031376.

Allele frequency attached by ClinVar (database versions not stated): gnomAD 0.00036; TOPMed 0.00037; gnomAD exomes 0.00068; ESP Exome Variant Server 0.00077.
gnomAD v4.1: 995 of 1,548,830 alleles (0.064%); highest among the groups gnomAD compares: Non-Finnish European, 0.082%; no homozygotes.

Submissions (7):

CeGaT Center for Human Genetics Tuebingen
Classification: Likely benign. Last evaluated: 2026-08-01. Review status: criteria provided, single submitter. Criteria: CeGaT Center For Human Genetics Tuebingen Variant Classification Criteria Version 2. Collection method: clinical testing. Allele origin: germline. Affected: yes. Observed: 1 variant allele.
Comment: NGLY1: BP4, BP7

Labcorp Genetics (formerly Invitae), Labcorp
Classification: Likely benign for Congenital disorder of deglycosylation. Last evaluated: 2026-01-22. Review status: criteria provided, single submitter. Criteria: Invitae Variant Classification Sherloc (09022015). Collection method: clinical testing. Allele origin: germline.

Mayo Clinic Laboratories, Mayo Clinic
Classification: Likely benign. Last evaluated: 2025-09-22. Review status: criteria provided, single submitter. Criteria: ACMG Guidelines, 2015. Collection method: clinical testing. Allele origin: germline. Observed: 1 variant allele.
Comment: BP4, BP7

Blueprint Genetics
Classification: Likely benign. Last evaluated: 2024-10-02. Review status: criteria provided, single submitter. Criteria: ACMG Guidelines, 2015. Collection method: clinical testing. Allele origin: germline.

GeneDx
Classification: Uncertain significance. Last evaluated: 2021-04-19. Review status: criteria provided, single submitter. Criteria: GeneDx Variant Classification Process June 2021. Collection method: clinical testing. Allele origin: germline. Affected: yes.
Comment: Has not been previously published as pathogenic or benign to our knowledge; In silico analysis, which includes splice predictors and evolutionary conservation, suggests this variant may impact gene splicing. In the absence of RNA/functional studies, the actual effect of this sequence change is unknown.

PreventionGenetics, part of Exact Sciences
Classification: Likely benign for NGLY1-related condition. Last evaluated: 2019-04-15. Review status: no assertion criteria provided. Collection method: clinical testing. Allele origin: germline. Not counted in ClinVar's aggregate classification.
Comment: This variant is classified as likely benign based on ACMG/AMP sequence variant interpretation guidelines (Richards et al. 2015 PMID: 25741868, with internal and published modifications).

Dr. Peter K. Rogan Lab, Western University
No classification provided (evidence only). Condition: Malignant tumor of esophagus. Review status: no classification provided. Collection method: in vitro. Allele origin: not applicable. Functional consequence: retained intron. Not counted in ClinVar's aggregate classification.